The following is an entry in ClinVar:

ClinVar aggregate classification (germline): Likely benign (0 of 4 stars; one submission).

Conditions:
RBP3-related disorder. Also called: RBP3-related condition.

Allele frequency attached by ClinVar (database versions not stated): ExAC 0.00001; gnomAD 0.00001; gnomAD exomes 0.00001; TOPMed 0.00001; ESP Exome Variant Server 0.00008.
gnomAD v4.1: 13 of 1,612,584 alleles (0.00081%); highest among the groups gnomAD compares: Admixed American, 0.0017%; no homozygotes.

Submission:

PreventionGenetics, part of Exact Sciences
Classification: Likely benign for RBP3-related condition. Last evaluated: 2019-10-16. Review status: no assertion criteria provided. Collection method: clinical testing. Allele origin: germline.
Comment: This variant is classified as likely benign based on ACMG/AMP sequence variant interpretation guidelines (Richards et al. 2015 PMID: 25741868, with internal and published modifications).

NM_002900.3(RBP3):c.2382G>A (p.Pro794=)

Gene: RBP3 (retinol binding protein 3; plus strand). Cytogenetic location: 10q11.22.
Variant type: single nucleotide variant.
Coding change: c.2382G>A on transcript NM_002900.3 (MANE Select); coding-DNA position 2382, G replaced by A.
Protein change: p.Pro794=; no amino-acid change (proline 794 retained).
Molecular consequence: synonymous variant.
Genome position (GRCh38, 1-based): chr10:47,350,866, G>A. VCF-style: chr10-47350866-G-A. GRCh37 (hg19) VCF-style: chr10-48388496-C-T.
Identifiers: ClinVar variation 3045713 (VCV003045713.2), dbSNP rs369694261, ClinGen allele CA5487290.